The following is an entry in ClinVar:

ClinVar aggregate classification (germline): Benign. Review status: criteria provided, single submitter (1 of 4 stars). 2 submissions from 2 submitters: Benign (1). 1 of the submissions does not count toward it. Last evaluated 2025-01-30.

Conditions:
HPS1-related disorder. Also called: HPS1-related condition.

Allele frequency attached by ClinVar (database versions not stated): gnomAD 0.00001 and 0.00003; gnomAD exomes 0.00003 and 0.00008; ExAC 0.00011; 1000 Genomes Project 30x 0.00016; 1000 Genomes Project 0.00020.
gnomAD v4.1: 44 of 1,614,182 alleles (0.0027%); highest among the groups gnomAD compares: South Asian, 0.044%; no homozygotes.

Submissions (2):

Labcorp Genetics (formerly Invitae), Labcorp
Classification: Benign. Last evaluated: 2025-01-30. Review status: criteria provided, single submitter. Criteria: Invitae Variant Classification Sherloc (09022015). Collection method: clinical testing. Allele origin: germline.

PreventionGenetics, part of Exact Sciences
Classification: Likely benign for HPS1-related condition. Last evaluated: 2019-04-25. Review status: no assertion criteria provided. Collection method: clinical testing. Allele origin: germline. Not counted in ClinVar's aggregate classification.
Comment: This variant is classified as likely benign based on ACMG/AMP sequence variant interpretation guidelines (Richards et al. 2015 PMID: 25741868, with internal and published modifications).

NM_000195.5(HPS1):c.1057C>T (p.Leu353=)

Gene: HPS1 (HPS1 biogenesis of lysosomal organelles complex 3 subunit 1; minus strand). Cytogenetic location: 10q24.2.
Variant type: single nucleotide variant.
Coding change: c.1057C>T on transcript NM_000195.5 (MANE Select); coding-DNA position 1057, C replaced by T.
Protein change: p.Leu353=; no amino-acid change (leucine 353 retained).
Molecular consequence: synonymous variant.
Genome position (GRCh38, 1-based): chr10:98,425,916, G>A on the plus strand (C>T on the coding strand, the complement: HPS1 is on the minus strand). VCF-style: chr10-98425916-G-A. GRCh37 (hg19) VCF-style: chr10-100185673-G-A.
Other names: c.85C>T, p.Leu29= (NM_001311345.2, NM_001322487.2, NM_001322489.2); c.1057C>T, p.Leu353= (NM_001322476.2, NM_001322477.2); c.958C>T, p.Leu320= (NM_001322478.2, NM_001322479.2); c.796C>T, p.Leu266= (NM_001322480.2, NM_001322481.2); c.697C>T, p.Leu233= (NM_001322482.2); c.688C>T, p.Leu230= (NM_001322483.2, NM_001322484.2); c.589C>T, p.Leu197= (NM_001322485.2); c.1057C>T (NM_000195.4).
Identifiers: ClinVar variation 1169131 (VCV001169131.11), dbSNP rs200850713, ClinGen allele CA5639155.
Genomic context (GRCh38, chr10:98,425,916, plus strand): 5'-GCAGGCAGTACATGGTGTGGGGCACTAGGGGGCAGTAGCTTTCCTTCACGTTGGCATCCA[G>A]GAAGATCCTTCTGGGGCCGGAAGGCACAGGGCAGTGGGGAACCAGTGTTTGGAGGGTGTC-3'
Protein context (NP_000186.2, residues 343-363): PVPSGPRRIF[Leu353=]DANVKESYCP